The following is an entry in ClinVar:

ClinVar aggregate classification (germline): Uncertain significance (1 of 4 stars; one submission).

Submission:

Labcorp Genetics (formerly Invitae), Labcorp
Classification: Uncertain significance. Last evaluated: 2018-05-19. Review status: criteria provided, single submitter. Criteria: Invitae Variant Classification Sherloc (09022015). Collection method: clinical testing. Allele origin: germline.
Comment: This variant is not present in population databases (ExAC no frequency). This sequence change replaces asparagine with histidine at codon 78 of the FH protein (p.Asn78His). The asparagine residue is highly conserved and there is a small physicochemical difference between asparagine and histidine. This variant has not been reported in the literature in individuals with FH-related disease. Algorithms developed to predict the effect of missense changes on protein structure and function are either unavailable or do not agree on the potential impact of this missense change (SIFT: "Deleterious"; PolyPhen-2: "Probably Damaging"; Align-GVGD: "Class C0"). In summary, the available evidence is currently insufficient to determine the role of this variant in disease. Therefore, it has been classified as a Variant of Uncertain Significance.

NM_000143.4(FH):c.232A>C (p.Asn78His)

Gene: FH (fumarate hydratase; minus strand). Cytogenetic location: 1q43.
Variant type: single nucleotide variant.
Coding change: c.232A>C on transcript NM_000143.4 (MANE Select); coding-DNA position 232, A replaced by C.
Protein change: p.Asn78His; replaces asparagine 78 with histidine.
Molecular consequence: missense variant.
Genome position (GRCh38, 1-based): chr1:241,517,217, T>G on the plus strand (A>C on the coding strand, the complement: FH is on the minus strand). VCF-style: chr1-241517217-T-G. GRCh37 (hg19) VCF-style: chr1-241680517-T-G.
Other names: short protein forms N78H.
Identifiers: ClinVar variation 576777 (VCV000576777.9), dbSNP rs1558402209, ClinGen allele CA345441733.